The following is an entry in ClinVar:

ClinVar aggregate classification (germline): Uncertain significance (1 of 4 stars; one submission).

Conditions:
Hereditary diffuse gastric adenocarcinoma (HDGC). Also called: DIFFUSE GASTRIC AND LOBULAR BREAST CANCER SYNDROME. Identifiers: Orphanet 26106, MedGen C1708349, MONDO:0007648, OMIM 137215.

Allele frequency attached by ClinVar (database versions not stated): gnomAD exomes below 0.00001.
gnomAD v4.1: 3 of 1,614,238 alleles (0.00019%); highest among the groups gnomAD compares: Non-Finnish European, 0.00025%; no homozygotes.

Submission:

Labcorp Genetics (formerly Invitae), Labcorp
Classification: Uncertain significance for Hereditary diffuse gastric adenocarcinoma. Last evaluated: 2021-01-20. Review status: criteria provided, single submitter. Criteria: Invitae Variant Classification Sherloc (09022015). Collection method: clinical testing. Allele origin: germline.
Comment: In summary, the available evidence is currently insufficient to determine the role of this variant in disease. Therefore, it has been classified as a Variant of Uncertain Significance. Algorithms developed to predict the effect of missense changes on protein structure and function are either unavailable or do not agree on the potential impact of this missense change (SIFT: "Deleterious"; PolyPhen-2: "Benign"; Align-GVGD: "Class C0"). This variant has not been reported in the literature in individuals with CDH1-related conditions. This variant is not present in population databases (ExAC no frequency). This sequence change replaces serine with proline at codon 111 of the CDH1 protein (p.Ser111Pro). The serine residue is highly conserved and there is a moderate physicochemical difference between serine and proline.

NM_004360.5(CDH1):c.331T>C (p.Ser111Pro)

Gene: CDH1 (cadherin 1; plus strand). Cytogenetic location: 16q22.1.
Variant type: single nucleotide variant.
Coding change: c.331T>C on transcript NM_004360.5 (MANE Select); coding-DNA position 331, T replaced by C.
Protein change: p.Ser111Pro; replaces serine 111 with proline.
Molecular consequence: missense variant. On other transcripts: 5 prime UTR variant (2).
Genome position (GRCh38, 1-based): chr16:68,801,837, T>C. VCF-style: chr16-68801837-T-C. GRCh37 (hg19) VCF-style: chr16-68835740-T-C.
Other names: c.331T>C, p.Ser111Pro (NM_001317184.2); c.-1285T>C (NM_001317185.2); c.-1489T>C (NM_001317186.2); short protein forms S111P.
Identifiers: ClinVar variation 967706 (VCV000967706.10), dbSNP rs1960519552, ClinGen allele CA396457406.